The following is an entry in ClinVar:

ClinVar aggregate classification (germline): Uncertain significance (1 of 4 stars; one submission).

Conditions:
Hereditary spastic paraplegia 11. Also called: Nakamura Osame syndrome; Autosomal recessive hereditary spastic paraplegia, mental impairment, and thin corpus callosum; Spastic Paraplegia 11; Spastic paraplegia, mental retardation and thin corpus callosum; SPASTIC PARAPLEGIA, AUTOSOMAL RECESSIVE, COMPLICATED, WITH THIN CORPUS CALLOSUM; SPASTIC PARAPLEGIA, AUTOSOMAL RECESSIVE, WITH MENTAL IMPAIRMENT AND THIN CORPUS CALLOSUM. Identifiers: Orphanet 2822, MedGen C1858479, MONDO:0011445, OMIM 604360.

Allele frequency attached by ClinVar (database versions not stated): TOPMed below 0.00001; gnomAD 0.00001.

Submission:

Labcorp Genetics (formerly Invitae), Labcorp
Classification: Uncertain significance for Hereditary spastic paraplegia 11. Last evaluated: 2021-08-27. Review status: criteria provided, single submitter. Criteria: Invitae Variant Classification Sherloc (09022015). Collection method: clinical testing. Allele origin: germline.
Comment: This sequence change replaces glutamine with arginine at codon 64 of the SPG11 protein (p.Gln64Arg). The glutamine residue is moderately conserved and there is a small physicochemical difference between glutamine and arginine. This variant is not present in population databases (ExAC no frequency). This variant has not been reported in the literature in individuals affected with SPG11-related conditions. Algorithms developed to predict the effect of missense changes on protein structure and function output the following: SIFT: "Tolerated"; PolyPhen-2: "Benign"; Align-GVGD: "Class C0". The arginine amino acid residue is found in multiple mammalian species, which suggests that this missense change does not adversely affect protein function. In summary, the available evidence is currently insufficient to determine the role of this variant in disease. Therefore, it has been classified as a Variant of Uncertain Significance.

NM_025137.4(SPG11):c.191A>G (p.Gln64Arg)

Gene: SPG11 (SPG11 vesicle trafficking associated, spatacsin; minus strand). Cytogenetic location: 15q21.1.
Variant type: single nucleotide variant.
Coding change: c.191A>G on transcript NM_025137.4 (MANE Select); coding-DNA position 191, A replaced by G.
Protein change: p.Gln64Arg; replaces glutamine 64 with arginine.
Molecular consequence: missense variant.
Genome position (GRCh38, 1-based): chr15:44,663,457, T>C on the plus strand (A>G on the coding strand, the complement: SPG11 is on the minus strand). VCF-style: chr15-44663457-T-C. GRCh37 (hg19) VCF-style: chr15-44955655-T-C.
Other names: c.191A>G, p.Gln64Arg (NM_001160227.2); short protein forms Q64R.
Identifiers: ClinVar variation 1424214 (VCV001424214.5), dbSNP rs1231166649, ClinGen allele CA392238607.
Genomic context (GRCh38, chr15:44,663,457, plus strand): 5'-AAGGGGCCCTCCAGGCAGCAGCGACCCCCGCCCCGGCTGCCAGGCGTCAAAGAAAGCACT[T>C]GGAGGCTGCCCGCAGCCGTCAGGCTCCCCAGAGCCTCCGGCTGTGTGCGCAGCTGCGCCC-3'
Protein context (NP_079413.3, residues 54-74): LGSLTAAGSL[Gln64Arg]VLSLTPGSRG